The following is an entry in ClinVar:

NM_012330.4(KAT6B):c.127G>A (p.Asp43Asn)

Gene: KAT6B (lysine acetyltransferase 6B; plus strand). Cytogenetic location: 10q22.2.
Variant type: single nucleotide variant.
Coding change: c.127G>A on transcript NM_012330.4 (MANE Select); coding-DNA position 127, G replaced by A.
Protein change: p.Asp43Asn; replaces aspartic acid 43 with asparagine.
Molecular consequence: missense variant. On other transcripts: 5 prime UTR variant (2).
Genome position (GRCh38, 1-based): chr10:74,842,984, G>A. VCF-style: chr10-74842984-G-A. GRCh37 (hg19) VCF-style: chr10-76602742-G-A.
Other names: c.127G>A, p.Asp43Asn (NM_001256468.2, NM_001256469.2, NM_001370132.1 and 10 more transcripts); c.-412G>A (NM_001370134.1, NM_001370135.1); short protein forms D43N.
Identifiers: ClinVar variation 3621639 (VCV003621639.2).

ClinVar aggregate classification (germline): Uncertain significance (1 of 4 stars; one submission).

Conditions:
Genitopatellar syndrome (GTPTS). Also called: ABSENT PATELLAE, SCROTAL HYPOPLASIA, RENAL ANOMALIES, FACIAL DYSMORPHISM, AND MENTAL RETARDATION; Genitopatellar syndrome (GPS). Identifiers: Orphanet 85201, MedGen C1853566, MONDO:0011640, OMIM 606170.

Submission:

Labcorp Genetics (formerly Invitae), Labcorp
Classification: Uncertain significance for Genitopatellar syndrome. Last evaluated: 2024-05-14. Review status: criteria provided, single submitter. Criteria: Invitae Variant Classification Sherloc (09022015). Collection method: clinical testing. Allele origin: germline.
Comment: This sequence change replaces aspartic acid, which is acidic and polar, with asparagine, which is neutral and polar, at codon 43 of the KAT6B protein (p.Asp43Asn). This variant is not present in population databases (gnomAD no frequency). This variant has not been reported in the literature in individuals affected with KAT6B-related conditions. Advanced modeling of protein sequence and biophysical properties (such as structural, functional, and spatial information, amino acid conservation, physicochemical variation, residue mobility, and thermodynamic stability) has been performed at Invitae for this missense variant, however the output from this modeling did not meet the statistical confidence thresholds required to predict the impact of this variant on KAT6B protein function. In summary, the available evidence is currently insufficient to determine the role of this variant in disease. Therefore, it has been classified as a Variant of Uncertain Significance.